The following is an entry in ClinVar:

NM_004369.4(COL6A3):c.5179C>T (p.Arg1727Trp)

Gene: COL6A3 (collagen type VI alpha 3 chain; minus strand). Cytogenetic location: 2q37.3.
Variant type: single nucleotide variant.
Coding change: c.5179C>T on transcript NM_004369.4 (MANE Select); coding-DNA position 5179, C replaced by T.
Protein change: p.Arg1727Trp; replaces arginine 1727 with tryptophan.
Molecular consequence: missense variant.
Genome position (GRCh38, 1-based): chr2:237,367,008, G>A on the plus strand (C>T on the coding strand, the complement: COL6A3 is on the minus strand). VCF-style: chr2-237367008-G-A. GRCh37 (hg19) VCF-style: chr2-238275651-G-A.
Other names: p.Arg1727Trp; c.3358C>T, p.Arg1120Trp (NM_057166.5); c.4561C>T, p.Arg1521Trp (NM_057167.4); short protein forms R1727W, R1120W, R1521W.
Identifiers: ClinVar variation 335121 (VCV000335121.21), dbSNP rs143074017, ClinGen allele CA2188724.

ClinVar aggregate classification (germline): Conflicting classifications of pathogenicity. Review status: criteria provided, conflicting classifications (1 of 4 stars). 5 submissions from 5 submitters: Uncertain significance (3); Benign (1); Likely benign (1). Last evaluated 2026-01-08.

Conditions:
Collagen 6-related myopathy. Identifiers: MedGen CN117976, MONDO:0100225.
Bethlem myopathy 1A. Also called: MYOPATHY, BENIGN CONGENITAL, WITH CONTRACTURES; Bethlem myopathy 1; Bethlem Muscular Dystrophy. Identifiers: Orphanet 610, MedGen CN029274, MONDO:0024530, OMIM 158810.

Allele frequency attached by ClinVar (database versions not stated): ExAC 0.00002; gnomAD exomes 0.00006 and 0.00011; gnomAD 0.00012 and 0.00013; TOPMed 0.00012; 1000 Genomes Project 30x 0.00016; 1000 Genomes Project 0.00020; ESP Exome Variant Server 0.00031.
gnomAD v4.1: 190 of 1,614,218 alleles (0.012%); highest among the groups gnomAD compares: Middle Eastern, 0.066%; no homozygotes.

Submissions (5):

Labcorp Genetics (formerly Invitae), Labcorp
Classification: Likely benign for Bethlem myopathy 1A. Last evaluated: 2026-01-08. Review status: criteria provided, single submitter. Criteria: Invitae Variant Classification Sherloc (09022015). Collection method: clinical testing. Allele origin: germline.

Mayo Clinic Laboratories, Mayo Clinic
Classification: Uncertain significance. Last evaluated: 2025-02-05. Review status: criteria provided, single submitter. Criteria: ACMG Guidelines, 2015. Collection method: clinical testing. Allele origin: germline. Observed: 1 variant allele.

Revvity Omics, Revvity
Classification: Uncertain significance. Last evaluated: 2022-03-28. Review status: criteria provided, single submitter. Criteria: ACMG Guidelines, 2015. Collection method: clinical testing. Allele origin: germline.

GeneDx
Classification: Uncertain significance. Last evaluated: 2019-05-16. Review status: criteria provided, single submitter. Criteria: GeneDx Variant Classification Process June 2021. Collection method: clinical testing. Allele origin: germline. Affected: yes.
Comment: In silico analysis, which includes protein predictors and evolutionary conservation, supports a deleterious effect; Has not been previously published as pathogenic or benign to our knowledge

Illumina Laboratory Services, Illumina
Classification: Benign for Collagen VI-related myopathy. Last evaluated: 2018-01-12. Review status: criteria provided, single submitter. Criteria: ICSL Variant Classification Criteria 13 December 2019. Collection method: clinical testing. Allele origin: germline.
Comment: This variant was observed in the ICSL laboratory as part of a predisposition screen in an ostensibly healthy population. It had not been previously curated by ICSL or reported in the Human Gene Mutation Database (HGMD: prior to June 1st, 2018), and was therefore a candidate for classification through an automated scoring system. Utilizing variant allele frequency, disease prevalence and penetrance estimates, and inheritance mode, an automated score was calculated to assess if this variant is too frequent to cause the disease. Based on the score and internal cut-off values, a variant classified as benign is not then subjected to further curation. The score for this variant resulted in a classification of benign for this disease.